The following is an entry in ClinVar:

NM_002227.4(JAK1):c.1972G>A (p.Val658Ile)

Genes: JAK1 (Janus kinase 1; minus strand), LOC126805749 (BRD4-independent group 4 enhancer GRCh37_chr1:65312286-65313485; plus strand). Cytogenetic location: 1p31.3.
Variant type: single nucleotide variant.
Coding change: c.1972G>A on transcript NM_002227.4 (MANE Select); coding-DNA position 1972, G replaced by A.
Protein change: p.Val658Ile; replaces valine 658 with isoleucine.
Molecular consequence: missense variant.
Genome position (GRCh38, 1-based): chr1:64,846,664, C>T on the plus strand (G>A on the coding strand, the complement: JAK1 is on the minus strand). VCF-style: chr1-64846664-C-T. GRCh37 (hg19) VCF-style: chr1-65312347-C-T.
Other names: c.1972G>A, p.Val658Ile (NM_001320923.2, NM_001321852.2, NM_001321853.2 and 3 more transcripts); c.1969G>A, p.Val657Ile (NM_001321857.2); short protein forms V658I, V657I.
Identifiers: ClinVar variation 2832216 (VCV002832216.3), dbSNP rs1057519753, ClinGen allele CA340667803.

ClinVar aggregate classification (germline): Uncertain significance (1 of 4 stars; one submission).

Submission:

Labcorp Genetics (formerly Invitae), Labcorp
Classification: Uncertain significance. Last evaluated: 2023-01-26. Review status: criteria provided, single submitter. Criteria: Invitae Variant Classification Sherloc (09022015). Collection method: clinical testing. Allele origin: germline.
Comment: In summary, the available evidence is currently insufficient to determine the role of this variant in disease. Therefore, it has been classified as a Variant of Uncertain Significance. Experimental studies have shown that this missense change affects JAK1 function (PMID: 21393331). Advanced modeling of protein sequence and biophysical properties (such as structural, functional, and spatial information, amino acid conservation, physicochemical variation, residue mobility, and thermodynamic stability) performed at Invitae indicates that this missense variant is not expected to disrupt JAK1 protein function. This variant has not been reported in the literature in individuals affected with JAK1-related conditions. This variant is not present in population databases (gnomAD no frequency). This sequence change replaces valine, which is neutral and non-polar, with isoleucine, which is neutral and non-polar, at codon 658 of the JAK1 protein (p.Val658Ile).

Literature cited by the submitters: PubMed 21393331.